The following is an entry in ClinVar:

NM_001666.5(ARHGAP4):c.1032+3G>A

Gene: ARHGAP4 (Rho GTPase activating protein 4; minus strand). Cytogenetic location: Xq28.
Variant type: single nucleotide variant.
Coding change: c.1032+3G>A on transcript NM_001666.5 (MANE Select); 3 bases into the intron after coding-DNA position 1032, G replaced by A.
Molecular consequence: intron variant.
Genome position (GRCh38, 1-based): chrX:153,918,829, C>T on the plus strand (G>A on the coding strand, the complement: ARHGAP4 is on the minus strand). VCF-style: chrX-153918829-C-T. GRCh37 (hg19) VCF-style: chrX-153184283-C-T.
Other names: c.1152+3G>A (NM_001164741.2).
Identifiers: ClinVar variation 2661756 (VCV002661756.24), dbSNP rs182410663, ClinGen allele CA10555804.

ClinVar aggregate classification (germline): Likely benign (1 of 4 stars; one submission).

Allele frequency attached by ClinVar (database versions not stated): ESP Exome Variant Server 0.00019; 1000 Genomes Project 30x 0.00021; 1000 Genomes Project 0.00026; TOPMed 0.00030; ExAC 0.00032; gnomAD exomes 0.00033; gnomAD 0.00048.
gnomAD v4.1: 408 of 1,208,911 alleles (0.034%); highest among the groups gnomAD compares: Non-Finnish European, 0.044%; no homozygotes.

Submission:

CeGaT Center for Human Genetics Tuebingen
Classification: Likely benign. Last evaluated: 2022-08-01. Review status: criteria provided, single submitter. Criteria: CeGaT Center For Human Genetics Tuebingen Variant Classification Criteria Version 2. Collection method: clinical testing. Allele origin: germline. Affected: yes. Observed: 1 variant allele.
Comment: ARHGAP4: BP4, BS2